The following is an entry in ClinVar:

ClinVar aggregate classification (germline): Benign. Review status: criteria provided, multiple submitters, no conflicts (2 of 4 stars). 4 submissions from 4 submitters: Benign (3). 1 of the submissions does not count toward it. Last evaluated 2024-11-28.

Conditions:
TMEM107-related disorder. Also called: TMEM107-related condition.

Allele frequency attached by ClinVar (database versions not stated): 1000 Genomes Project 30x 0.09838; 1000 Genomes Project 0.09944; TOPMed 0.16111; ExAC 0.17360; ESP Exome Variant Server 0.20387.

Submissions (4):

Blueprint Genetics
Classification: Benign. Last evaluated: 2024-11-28. Review status: criteria provided, single submitter. Criteria: ACMG Guidelines, 2015. Collection method: clinical testing. Allele origin: germline.

GeneDx
Classification: Benign. Last evaluated: 2021-05-19. Review status: criteria provided, single submitter. Criteria: GeneDx Variant Classification Process June 2021. Collection method: clinical testing. Allele origin: germline. Affected: yes.

Breakthrough Genomics
Classification: Benign. Review status: criteria provided, single submitter. Criteria: ACMG Guidelines, 2015. Collection method: not provided. Allele origin: germline. Inheritance: Autosomal recessive inheritance. Affected: yes.

PreventionGenetics, part of Exact Sciences
Classification: Benign for TMEM107-related condition. Last evaluated: 2024-04-24. Review status: no assertion criteria provided. Collection method: clinical testing. Allele origin: germline. Not counted in ClinVar's aggregate classification.
Comment: This variant is classified as benign based on ACMG/AMP sequence variant interpretation guidelines (Richards et al. 2015 PMID: 25741868, with internal and published modifications).

NM_183065.4(TMEM107):c.*780T>C

Gene: TMEM107 (transmembrane protein 107; minus strand). Cytogenetic location: 17p13.1.
Variant type: single nucleotide variant.
Coding change: c.*780T>C on transcript NM_183065.4 (MANE Select); 780 bases downstream of the stop codon, T replaced by C.
Molecular consequence: 3 prime UTR variant. On other transcripts: non-coding transcript variant (1).
Genome position (GRCh38, 1-based): chr17:8,173,423, A>G on the plus strand (T>C on the coding strand, the complement: TMEM107 is on the minus strand). VCF-style: chr17-8173423-A-G. GRCh37 (hg19) VCF-style: chr17-8076741-A-G.
Other names: c.*780T>C (NM_032354.3, NM_001351278.2, NM_001351279.2 and 2 more transcripts).
Identifiers: ClinVar variation 1245232 (VCV001245232.6), dbSNP rs72479723, ClinGen allele CA8370495.